The following is an entry in ClinVar:

ClinVar aggregate classification (germline): Uncertain significance. Review status: criteria provided, single submitter (1 of 4 stars). 2 submissions from 2 submitters: Uncertain significance (1). 1 of the submissions does not count toward it. Last evaluated 2020-11-26.

Conditions:
HOXD13-related disorder. Also called: HOXD13-related condition; HOXD13-related disorders.

gnomAD v4.1: 38 of 1,613,680 alleles (0.0024%); highest among the groups gnomAD compares: Non-Finnish European, 0.000085%; no homozygotes.

Submissions (2):

Blueprint Genetics
Classification: Uncertain significance. Last evaluated: 2020-11-26. Review status: criteria provided, single submitter. Criteria: ACMG Guidelines, 2015. Collection method: clinical testing. Allele origin: germline.

PreventionGenetics, part of Exact Sciences
Classification: Likely pathogenic for HOXD13-related condition. Last evaluated: 2024-03-12. Review status: no assertion criteria provided. Collection method: clinical testing. Allele origin: germline. Not counted in ClinVar's aggregate classification.
Comment: The HOXD13 c.979C>T variant is predicted to result in premature protein termination (p.Arg327*). This variant (also reported as c.C955T; p.R319X) was reported in an individuals presenting with clinodactyly (Table 3, Dai et al. 2014. PubMed ID: 24789103; Table 2, Furniss et al. 2009. PubMed ID: 19429598). This variant is reported in 0.060% of alleles in individuals of European (Finnish) descent in gnomAD. Nonsense variants in HOXD13 are expected to be pathogenic. This variant is interpreted as likely pathogenic.

NM_000523.4(HOXD13):c.979C>T (p.Arg327Ter)

Gene: HOXD13 (homeobox D13; plus strand). Cytogenetic location: 2q31.1.
Variant type: single nucleotide variant.
Coding change: c.979C>T on transcript NM_000523.4 (MANE Select); coding-DNA position 979, C replaced by T.
Protein change: p.Arg327Ter; replaces arginine 327 with a stop codon.
Molecular consequence: nonsense.
Genome position (GRCh38, 1-based): chr2:176,094,677, C>T. VCF-style: chr2-176094677-C-T. GRCh37 (hg19) VCF-style: chr2-176959405-C-T.
Other names: short protein forms R327*.
Identifiers: ClinVar variation 3358371 (VCV003358371.2).